The following is an entry in ClinVar:

NM_004517.4(ILK):c.1079-14C>A

Genes: ILK (integrin linked kinase; plus strand), TAF10 (TATA-box binding protein associated factor 10; minus strand). Cytogenetic location: 11p15.4.
Variant type: single nucleotide variant.
Coding change: c.1079-14C>A on transcript NM_004517.4 (MANE Select); 14 bases into the intron before coding-DNA position 1079, C replaced by A.
Molecular consequence: intron variant. On other transcripts: 3 prime UTR variant (1).
Genome position (GRCh38, 1-based): chr11:6,610,134, C>A. VCF-style: chr11-6610134-C-A. GRCh37 (hg19) VCF-style: chr11-6631365-C-A.
Other names: c.*788G>T (NM_006284.4); c.1079-14C>A (NM_001014795.3, NM_001014794.3); c.896-14C>A (NM_001278441.2); c.677-14C>A (NM_001278442.2).
Identifiers: ClinVar variation 390942 (VCV000390942.2), dbSNP rs776003441, ClinGen allele CA16606280.
Genomic context (GRCh38, chr11:6,610,134, plus strand): 5'-ACCTCAGAAGTAGTGGAAGGGGGCAGAGACAGGACAGGCAAGGGGGCCAGAACAGACAAG[C>A]CCTATCTCTCCAGCTCTGCAGAAGAAGCCTGAAGACACAAACAGACGCTCAGCAGACATG-3'

ClinVar aggregate classification (germline): Likely benign (1 of 4 stars; one submission).

Allele frequency attached by ClinVar (database versions not stated): TOPMed 0.00001; gnomAD 0.00002.
gnomAD v4.1: 3 of 1,614,074 alleles (0.00019%); highest among the groups gnomAD compares: African/African-American, 0.004%; no homozygotes.

Submission:

GeneDx
Classification: Likely benign. Last evaluated: 2016-11-18. Review status: criteria provided, single submitter. Criteria: GeneDx Variant Classification (06012015). Collection method: clinical testing. Allele origin: germline. Affected: yes.
Comment: This variant is considered likely benign or benign based on one or more of the following criteria: it is a conservative change, it occurs at a poorly conserved position in the protein, it is predicted to be benign by multiple in silico algorithms, and/or has population frequency not consistent with disease.